The following is an entry in ClinVar:

ClinVar aggregate classification (germline): Likely benign (1 of 4 stars; one submission).

Conditions:
Congenital myasthenic syndrome 12 (CMS12). Also called: MYASTHENIC SYNDROME, CONGENITAL, WITH TUBULAR AGGREGATES 1; Myasthenia, congenital, 12, with tubular aggregates. Identifiers: Orphanet 353327, Orphanet 590, MedGen C3552335, MONDO:0012518, OMIM 610542.

Allele frequency attached by ClinVar (database versions not stated): gnomAD 0.00367 and 0.00389; TOPMed 0.00407; 1000 Genomes Project 0.00519; 1000 Genomes Project 30x 0.00593.

Submission:

Illumina Laboratory Services, Illumina
Classification: Likely benign for Congenital myasthenic syndrome 12. Last evaluated: 2018-01-13. Review status: criteria provided, single submitter. Criteria: ICSL Variant Classification Criteria 13 December 2019. Collection method: clinical testing. Allele origin: germline.
Comment: This variant was observed in the ICSL laboratory as part of a predisposition screen in an ostensibly healthy population. It had not been previously curated by ICSL or reported in the Human Gene Mutation Database (HGMD: prior to June 1st, 2018), and was therefore a candidate for classification through an automated scoring system. Utilizing variant allele frequency, disease prevalence and penetrance estimates, and inheritance mode, an automated score was calculated to assess if this variant is too frequent to cause the disease. Based on the score and internal cut-off values, a variant classified as likely benign is not then subjected to further curation. The score for this variant resulted in a classification of likely benign for this disease.

NM_001244710.2(GFPT1):c.*867G>A

Gene: GFPT1 (glutamine--fructose-6-phosphate transaminase 1; minus strand). Cytogenetic location: 2p13.3.
Variant type: single nucleotide variant.
Coding change: c.*867G>A on transcript NM_001244710.2 (MANE Select); 867 bases downstream of the stop codon, G replaced by A.
Molecular consequence: 3 prime UTR variant.
Genome position (GRCh38, 1-based): chr2:69,325,322, C>T on the plus strand (G>A on the coding strand, the complement: GFPT1 is on the minus strand). VCF-style: chr2-69325322-C-T. GRCh37 (hg19) VCF-style: chr2-69552454-C-T.
Other names: c.*867G>A (NM_002056.4).
Identifiers: ClinVar variation 336858 (VCV000336858.5), dbSNP rs72905155, ClinGen allele CA10615786.